The following is an entry in ClinVar:

NM_004304.5(ALK):c.1579C>G (p.Pro527Ala)

Gene: ALK (ALK receptor tyrosine kinase; minus strand). Cytogenetic location: 2p23.2.
Variant type: single nucleotide variant.
Coding change: c.1579C>G on transcript NM_004304.5 (MANE Select); coding-DNA position 1579, C replaced by G.
Protein change: p.Pro527Ala; replaces proline 527 with alanine.
Molecular consequence: missense variant.
Genome position (GRCh38, 1-based): chr2:29,318,372, G>C on the plus strand (C>G on the coding strand, the complement: ALK is on the minus strand). VCF-style: chr2-29318372-G-C. GRCh37 (hg19) VCF-style: chr2-29541238-G-C.
Other names: c.1579C>G (NM_004304.4); short protein forms P527A.
Identifiers: ClinVar variation 2156651 (VCV002156651.6), dbSNP rs748501104, ClinGen allele CA1594601.
Genomic context (GRCh38, chr2:29,318,372, plus strand): 5'-GAGAGCTCTTGATCGGTGCAGGAAACGTAGCACTGGTCACTGTAGCACTTTCAGAAGCGG[G>C]GACATCAGTGGTACTGAGCAATAGAGCATGGTCTAGGAGAGAGGAAAAGAATCACAAGCA-3'
Protein context (NP_004295.2, residues 517-537): HALLLSTTDV[Pro527Ala]ASESATVTSA

ClinVar aggregate classification (germline): Uncertain significance. Review status: criteria provided, multiple submitters, no conflicts (2 of 4 stars). 2 submissions from 2 submitters: Uncertain significance (2). Last evaluated 2024-06-09.

Conditions:
Neuroblastoma, susceptibility to, 3. Also called: ALK-Related Neuroblastic Tumor Susceptibility. Identifiers: Orphanet 635, MedGen C2751681, MONDO:0013083, OMIM 613014.
Hereditary cancer-predisposing syndrome. Also called: Neoplastic Syndromes, Hereditary; Hereditary Cancer Syndrome; Hereditary neoplastic syndrome; Tumor predisposition. Identifiers: Orphanet 140162, MedGen C0027672, MeSH D009386, MONDO:0015356.

gnomAD v4.1: 1 of 1,613,864 alleles (0.000062%); highest among the groups gnomAD compares: Non-Finnish European, 0.000085%; no homozygotes.

Submissions (2):

Labcorp Genetics (formerly Invitae), Labcorp
Classification: Uncertain significance for Neuroblastoma, susceptibility to, 3. Last evaluated: 2024-06-09. Review status: criteria provided, single submitter. Criteria: Invitae Variant Classification Sherloc (09022015). Collection method: clinical testing. Allele origin: germline.
Comment: This sequence change replaces proline, which is neutral and non-polar, with alanine, which is neutral and non-polar, at codon 527 of the ALK protein (p.Pro527Ala). This variant is present in population databases (rs748501104, gnomAD 0.0009%). This variant has not been reported in the literature in individuals affected with ALK-related conditions. ClinVar contains an entry for this variant (Variation ID: 2156651). Algorithms developed to predict the effect of missense changes on protein structure and function output the following: SIFT: "Not Available"; PolyPhen-2: "Benign"; Align-GVGD: "Not Available". The alanine amino acid residue is found in multiple mammalian species, which suggests that this missense change does not adversely affect protein function. In summary, the available evidence is currently insufficient to determine the role of this variant in disease. Therefore, it has been classified as a Variant of Uncertain Significance.

Ambry Genetics
Classification: Uncertain significance for Hereditary cancer-predisposing syndrome. Last evaluated: 2022-12-21. Review status: criteria provided, single submitter. Criteria: Ambry Variant Classification Scheme 2023. Collection method: clinical testing. Allele origin: germline.
Comment: The p.P527A variant (also known as c.1579C>G), located in coding exon 8 of the ALK gene, results from a C to G substitution at nucleotide position 1579. The proline at codon 527 is replaced by alanine, an amino acid with highly similar properties. This amino acid position is conserved. In addition, this alteration is predicted to be tolerated by in silico analysis. Since supporting evidence is limited at this time, the clinical significance of this alteration remains unclear.